The following is an entry in ClinVar:

NM_177438.3(DICER1):c.5281G>C (p.Val1761Leu)

Gene: DICER1 (dicer 1, ribonuclease III; minus strand). Cytogenetic location: 14q32.13.
Variant type: single nucleotide variant.
Coding change: c.5281G>C on transcript NM_177438.3 (MANE Select); coding-DNA position 5281, G replaced by C.
Protein change: p.Val1761Leu; replaces valine 1761 with leucine.
Molecular consequence: missense variant. On other transcripts: non-coding transcript variant (6).
Genome position (GRCh38, 1-based): chr14:95,093,971, C>G on the plus strand (G>C on the coding strand, the complement: DICER1 is on the minus strand). VCF-style: chr14-95093971-C-G. GRCh37 (hg19) VCF-style: chr14-95560308-C-G.
Other names: c.5281G>C, p.Val1761Leu (NM_001195573.1, NM_001271282.3, NM_001291628.2 and 9 more transcripts); c.4999G>C, p.Val1667Leu (NM_001395686.1); c.4876G>C, p.Val1626Leu (NM_001395687.1, NM_001395688.1, NM_001395689.1 and 1 more transcripts); c.4714G>C, p.Val1572Leu (NM_001395691.1); c.3598G>C, p.Val1200Leu (NM_001395697.1); short protein forms V1200L, V1761L, V1572L, V1667L, V1626L.
Identifiers: ClinVar variation 2765437 (VCV002765437.4), dbSNP rs1555366740, ClinGen allele CA390865044.

ClinVar aggregate classification (germline): Uncertain significance. Review status: criteria provided, multiple submitters, no conflicts (2 of 4 stars). 2 submissions from 2 submitters: Uncertain significance (2). Last evaluated 2025-05-11.

Conditions:
DICER1-related tumor predisposition. Also called: DICER1-related pleuropulmonary blastoma cancer predisposition syndrome; DICER1 syndrome. Identifiers: Orphanet 284343, MedGen C3839822, MONDO:0100216.
Hereditary cancer-predisposing syndrome. Also called: Hereditary neoplastic syndrome; Hereditary Cancer Syndrome; Neoplastic Syndromes, Hereditary; Tumor predisposition. Identifiers: Orphanet 140162, MedGen C0027672, MeSH D009386, MONDO:0015356.

Submissions (2):

Ambry Genetics
Classification: Uncertain significance for Hereditary cancer-predisposing syndrome. Last evaluated: 2025-05-11. Review status: criteria provided, single submitter. Criteria: Ambry Variant Classification Scheme 2023. Collection method: clinical testing. Allele origin: germline.
Comment: The p.V1761L variant (also known as c.5281G>C), located in coding exon 23 of the DICER1 gene, results from a G to C substitution at nucleotide position 5281. The valine at codon 1761 is replaced by leucine, an amino acid with highly similar properties. This amino acid position is conserved. In addition, this alteration is predicted to be tolerated by in silico analysis. Based on the available evidence, the clinical significance of this variant remains unclear.

Labcorp Genetics (formerly Invitae), Labcorp
Classification: Uncertain significance for DICER1-related tumor predisposition. Last evaluated: 2023-06-04. Review status: criteria provided, single submitter. Criteria: Invitae Variant Classification Sherloc (09022015). Collection method: clinical testing. Allele origin: germline.
Comment: This sequence change replaces valine, which is neutral and non-polar, with leucine, which is neutral and non-polar, at codon 1761 of the DICER1 protein (p.Val1761Leu). This variant is not present in population databases (gnomAD no frequency). This variant has not been reported in the literature in individuals affected with DICER1-related conditions. Advanced modeling of protein sequence and biophysical properties (such as structural, functional, and spatial information, amino acid conservation, physicochemical variation, residue mobility, and thermodynamic stability) performed at Invitae indicates that this missense variant is not expected to disrupt DICER1 protein function. In summary, the available evidence is currently insufficient to determine the role of this variant in disease. Therefore, it has been classified as a Variant of Uncertain Significance.